The following is an entry in ClinVar:

ClinVar aggregate classification (germline): Pathogenic (1 of 4 stars; one submission).

Conditions:
Congenital sideroblastic anemia-B-cell immunodeficiency-periodic fever-developmental delay syndrome. Also called: Sideroblastic anemia with B-cell immunodeficiency, periodic fevers, and developmental delay. Identifiers: Orphanet 369861, MedGen C4015172, MONDO:0014487, OMIM 616084.

Submission:

Labcorp Genetics (formerly Invitae), Labcorp
Classification: Pathogenic for Congenital sideroblastic anemia-B-cell immunodeficiency-periodic fever-developmental delay syndrome. Last evaluated: 2024-01-26. Review status: criteria provided, single submitter. Criteria: Invitae Variant Classification Sherloc (09022015). Collection method: clinical testing. Allele origin: germline.
Comment: A gross deletion of the genomic region encompassing the full coding sequence of the TRNT1 gene has been identified. Loss-of-function variants in TRNT1 are known to be pathogenic (PMID: 25193871). The boundaries of this event are unknown as they extend beyond the assayed region for this gene and therefore may encompass additional genes. This variant has not been reported in the literature in individuals affected with TRNT1-related conditions. For these reasons, this variant has been classified as Pathogenic.

Literature cited by the submitters: PubMed 25193871.

NC_000003.11:g.(?_3170725)_(3189838_?)del

Gene: TRNT1 (tRNA nucleotidyl transferase 1; plus strand). Cytogenetic location: 3p26.2.
Variant type: Deletion.
Identifiers: ClinVar variation 1454659 (VCV001454659.5).